The following is an entry in ClinVar:

ClinVar aggregate classification (germline): Conflicting classifications of pathogenicity. Review status: criteria provided, conflicting classifications (1 of 4 stars). 3 submissions from 3 submitters: Uncertain significance (2); Likely benign (1). Last evaluated 2025-05-05.

Conditions:
Inborn genetic diseases. Identifiers: MedGen C0950123, MeSH D030342.
Treacher Collins syndrome 1 (TCS1). Also called: TCOF1-Related Treacher Collins Syndrome. Identifiers: Orphanet 861, MedGen CN315775, MONDO:0007944, OMIM 154500.

Allele frequency attached by ClinVar (database versions not stated): ExAC 0.00001; gnomAD 0.00001 and 0.00002; gnomAD exomes 0.00001; TOPMed 0.00002.
gnomAD v4.1: 13 of 1,614,136 alleles (0.00081%); highest among the groups gnomAD compares: Admixed American, 0.005%; no homozygotes.

Submissions (3):

Ambry Genetics
Classification: Uncertain significance for Inborn genetic diseases. Last evaluated: 2025-05-05. Review status: criteria provided, single submitter. Criteria: Ambry Variant Classification Scheme 2023. Collection method: clinical testing. Allele origin: germline.

GeneDx
Classification: Uncertain significance. Last evaluated: 2025-04-08. Review status: criteria provided, single submitter. Criteria: GeneDx Variant Classification Process June 2021. Collection method: clinical testing. Allele origin: germline. Affected: yes.
Comment: In silico analysis supports that this missense variant has a deleterious effect on protein structure/function; Has not been previously published as pathogenic or benign to our knowledge

Labcorp Genetics (formerly Invitae), Labcorp
Classification: Likely benign for Treacher Collins syndrome 1. Last evaluated: 2025-03-31. Review status: criteria provided, single submitter. Criteria: Invitae Variant Classification Sherloc (09022015). Collection method: clinical testing. Allele origin: germline.

NM_001371623.1(TCOF1):c.1780C>T (p.Pro594Ser)

Gene: TCOF1 (treacle ribosome biogenesis factor 1; plus strand). Cytogenetic location: 5q32.
Variant type: single nucleotide variant.
Coding change: c.1780C>T on transcript NM_001371623.1 (MANE Select); coding-DNA position 1780, C replaced by T.
Protein change: p.Pro594Ser; replaces proline 594 with serine.
Molecular consequence: missense variant.
Genome position (GRCh38, 1-based): chr5:150,375,796, C>T. VCF-style: chr5-150375796-C-T. GRCh37 (hg19) VCF-style: chr5-149755359-C-T.
Other names: c.1549C>T, p.Pro517Ser (NM_000356.4, NM_001135245.2); c.1780C>T, p.Pro594Ser (NM_001008657.3, NM_001135243.2, NM_001135244.2 and 1 more transcripts); c.1780C>T (NM_001135243.1); short protein forms P517S, P594S.
Identifiers: ClinVar variation 1592606 (VCV001592606.10), dbSNP rs769250780, ClinGen allele CA3510998.